The following is an entry in ClinVar:

NM_006767.4(LZTR1):c.778T>C (p.Phe260Leu)

Gene: LZTR1 (leucine zipper like post translational regulator 1; plus strand). Cytogenetic location: 22q11.21.
Variant type: single nucleotide variant.
Coding change: c.778T>C on transcript NM_006767.4 (MANE Select); coding-DNA position 778, T replaced by C.
Protein change: p.Phe260Leu; replaces phenylalanine 260 with leucine.
Molecular consequence: missense variant.
Genome position (GRCh38, 1-based): chr22:20,990,512, T>C. VCF-style: chr22-20990512-T-C. GRCh37 (hg19) VCF-style: chr22-21344801-T-C.
Other names: short protein forms F260L.
Identifiers: ClinVar variation 4615677 (VCV004615677.1).
Genomic context (GRCh38, chr22:20,990,512, plus strand): 5'-ATGTTTGTATTCTCTGGGCAAAGCGGAGCCAAAATAACCAACAACCTCTTCCAGTTTGAA[T>C]TCAAGGACAAGACGTGAGTACTCTGGCCAGTGGGGTGGAGGGAGGACGGTCAGTTCCCTC-3'
Protein context (NP_006758.2, residues 250-270): KITNNLFQFE[Phe260Leu]KDKTWTRIPT

ClinVar aggregate classification (germline): Uncertain significance (1 of 4 stars; one submission).

Conditions:
Cardiovascular phenotype. Identifiers: MedGen CN230736.
Hereditary cancer-predisposing syndrome. Also called: Neoplastic Syndromes, Hereditary; Tumor predisposition; Hereditary Cancer Syndrome; Hereditary neoplastic syndrome. Identifiers: Orphanet 140162, MedGen C0027672, MeSH D009386, MONDO:0015356.

Submission:

Ambry Genetics
Classification: Uncertain significance for Cardiovascular phenotype; Hereditary cancer-predisposing syndrome. Last evaluated: 2025-12-01. Review status: criteria provided, single submitter. Criteria: Ambry Variant Classification Scheme 2023. Collection method: clinical testing. Allele origin: germline.
Comment: The p.F260L variant (also known as c.778T>C), located in coding exon 8 of the LZTR1 gene, results from a T to C substitution at nucleotide position 778. The phenylalanine at codon 260 is replaced by leucine, an amino acid with highly similar properties. This amino acid position is conserved. In addition, the in silico prediction for this alteration is inconclusive. Based on the available evidence, the clinical significance of this variant remains unclear.